The following is an entry in ClinVar:

NM_001256071.3(RNF213):c.1149C>G (p.Phe383Leu)

Gene: RNF213 (ring finger protein 213; plus strand). Cytogenetic location: 17q25.3.
Variant type: single nucleotide variant.
Coding change: c.1149C>G on transcript NM_001256071.3 (MANE Select); coding-DNA position 1149, C replaced by G.
Protein change: p.Phe383Leu; replaces phenylalanine 383 with leucine.
Molecular consequence: missense variant.
Genome position (GRCh38, 1-based): chr17:80,290,606, C>G. VCF-style: chr17-80290606-C-G. GRCh37 (hg19) VCF-style: chr17-78264405-C-G.
Other names: c.1296C>G, p.Phe432Leu (NM_001410195.1, NM_020914.5); c.1149C>G, p.Phe383Leu (NM_020954.4); short protein forms F383L, F432L.
Identifiers: ClinVar variation 3068955 (VCV003068955.2), dbSNP rs144912419, ClinGen allele CA8819478.
Genomic context (GRCh38, chr17:80,290,606, plus strand): 5'-ATTTCTGTTTTGGTTTTCCACCAGCACGCTGAGCCCGGGTGGAGGAGTCACCGTGTTCTT[C>G]CACGCCATCATCTCTCTTCATTTCCCATTCAATCCTGACCTCCATAAAGTCTTCATCAGA-3'
Protein context (NP_001243000.2, residues 373-393): LSPGGGVTVF[Phe383Leu]HAIISLHFPF

ClinVar aggregate classification (germline): Uncertain significance (1 of 4 stars; one submission).

Allele frequency attached by ClinVar (database versions not stated): ESP Exome Variant Server 0.00023.
gnomAD v4.1: 10 of 1,614,024 alleles (0.00062%); highest among the groups gnomAD compares: African/African-American, 0.0093%; no homozygotes.

Submission:

Women's Health and Genetics/Laboratory Corporation of America, LabCorp
Classification: Uncertain significance. Last evaluated: 2024-02-01. Review status: criteria provided, single submitter. Criteria: LabCorp Variant Classification Summary - May 2015. Collection method: clinical testing. Allele origin: germline.
Comment: Variant summary: RNF213 c.1149C>G (p.Phe383Leu) results in a non-conservative amino acid change in the encoded protein sequence. Three of five in-silico tools predict a damaging effect of the variant on protein function. The variant allele was found at a frequency of 8e-06 in 251440 control chromosomes. The available data on variant occurrences in the general population are insufficient to allow any conclusion about variant significance. To our knowledge, no occurrence of c.1149C>G in individuals affected with Moyamoya Disease 2 and no experimental evidence demonstrating its impact on protein function have been reported. No submitters have cited clinical-significance assessments for this variant to ClinVar. Based on the evidence outlined above, the variant was classified as uncertain significance.